The following is an entry in ClinVar:

ClinVar aggregate classification (germline): Likely pathogenic. Review status: criteria provided, multiple submitters, no conflicts (2 of 4 stars). 2 submissions from 2 submitters: Likely pathogenic (2). Last evaluated 2026-06-01.

Submissions (2):

CeGaT Center for Human Genetics Tuebingen
Classification: Likely pathogenic. Last evaluated: 2026-06-01. Review status: criteria provided, single submitter. Criteria: CeGaT Center For Human Genetics Tuebingen Variant Classification Criteria Version 2. Collection method: clinical testing. Allele origin: germline. Affected: yes. Observed: 1 variant allele.
Comment: CASR: PM2, PM5, PS4:Moderate

Mayo Clinic Laboratories, Mayo Clinic
Classification: Likely pathogenic. Last evaluated: 2025-08-26. Review status: criteria provided, single submitter. Criteria: ACMG Guidelines, 2015. Collection method: clinical testing. Allele origin: germline. Observed: 1 variant allele.
Comment: PP2, PP3_moderate, PM2_supporting, PM5

Literature cited by the submitters: PubMed 28222409 (cited by Mayo Clinic Laboratories, Mayo Clinic); PubMed 30457731 (cited by Mayo Clinic Laboratories, Mayo Clinic).

NM_000388.4(CASR):c.1651A>G (p.Arg551Gly)

Gene: CASR (calcium sensing receptor; plus strand). Cytogenetic location: 3q21.1.
Variant type: single nucleotide variant.
Coding change: c.1651A>G on transcript NM_000388.4 (MANE Select); coding-DNA position 1651, A replaced by G.
Protein change: p.Arg551Gly; replaces arginine 551 with glycine.
Molecular consequence: missense variant.
Genome position (GRCh38, 1-based): chr3:122,282,155, A>G. VCF-style: chr3-122282155-A-G. GRCh37 (hg19) VCF-style: chr3-122001002-A-G.
Other names: p.Arg551Gly; c.1681A>G, p.Arg561Gly (NM_001178065.2); short protein forms R551G, R561G.
Identifiers: ClinVar variation 4540915 (VCV004540915.3).